The following is an entry in ClinVar:

NM_001429.4(EP300):c.*7C>T

Gene: EP300 (E1A binding protein p300; plus strand). Cytogenetic location: 22q13.2.
Variant type: single nucleotide variant.
Coding change: c.*7C>T on transcript NM_001429.4 (MANE Select); 7 bases downstream of the stop codon, C replaced by T.
Molecular consequence: 3 prime UTR variant.
Genome position (GRCh38, 1-based): chr22:41,178,963, C>T. VCF-style: chr22-41178963-C-T. GRCh37 (hg19) VCF-style: chr22-41574967-C-T.
Other names: c.*7C>T (NM_001362843.2, NM_001429.3).
Identifiers: ClinVar variation 2429566 (VCV002429566.2), dbSNP rs936561690, ClinGen allele CA324520549.

ClinVar aggregate classification (germline): Uncertain significance. Review status: criteria provided, single submitter (1 of 4 stars). 2 submissions from 2 submitters: Uncertain significance (1). 1 of the submissions does not count toward it. Last evaluated 2022-08-10.

Conditions:
EP300-related disorder. Also called: EP300-related disorders; EP300-related condition.

Allele frequency attached by ClinVar (database versions not stated): gnomAD exomes below 0.00001; gnomAD 0.00002; TOPMed 0.00003.
gnomAD v4.1: 7 of 1,601,666 alleles (0.00044%); highest among the groups gnomAD compares: Admixed American, 0.0071%; no homozygotes.

Submissions (2):

GeneDx
Classification: Uncertain significance. Last evaluated: 2022-08-10. Review status: criteria provided, single submitter. Criteria: GeneDx Variant Classification Process June 2021. Collection method: clinical testing. Allele origin: germline. Affected: yes.
Comment: Located in a region that tolerates variation and lacks pathogenic variants; Has not been previously published as pathogenic or benign to our knowledge

PreventionGenetics, part of Exact Sciences
Classification: Likely benign for EP300-related condition. Last evaluated: 2022-09-13. Review status: no assertion criteria provided. Collection method: clinical testing. Allele origin: germline. Not counted in ClinVar's aggregate classification.
Comment: This variant is classified as likely benign based on ACMG/AMP sequence variant interpretation guidelines (Richards et al. 2015 PMID: 25741868, with internal and published modifications).